The following is an entry in ClinVar:

ClinVar aggregate classification (germline): Uncertain significance. Review status: criteria provided, multiple submitters, no conflicts (2 of 4 stars). 3 submissions from 3 submitters: Uncertain significance (3). Last evaluated 2022-03-03.

Conditions:
Inborn genetic diseases. Identifiers: MedGen C0950123, MeSH D030342.
Autosomal recessive ataxia, Beauce type. Also called: SYNE1-Related Autosomal Recessive Cerebellar Ataxia; SYNE1 Deficiency; Spinocerebellar ataxia, autosomal recessive 8; ATAXIA, RECESSIVE, OF BEAUCE. Identifiers: Orphanet 88644, MedGen C1853116, MONDO:0012549, OMIM 610743.
Emery-Dreifuss muscular dystrophy 4, autosomal dominant (EDMD4). Also called: EMERY-DREIFUSS MUSCULAR DYSTROPHY 4 WITH VARIABLE FEATURES. Identifiers: Orphanet 261, MedGen C2751807, MONDO:0013071, OMIM 612998.

Allele frequency attached by ClinVar (database versions not stated): TOPMed below 0.00001; ExAC 0.00001; gnomAD 0.00001; gnomAD exomes 0.00001.
gnomAD v4.1: 14 of 1,614,032 alleles (0.00087%); highest among the groups gnomAD compares: Middle Eastern, 0.033%; no homozygotes.

Submissions (3):

Labcorp Genetics (formerly Invitae), Labcorp
Classification: Uncertain significance for Emery-Dreifuss muscular dystrophy 4, autosomal dominant; Autosomal recessive ataxia, Beauce type. Last evaluated: 2022-03-03. Review status: criteria provided, single submitter. Criteria: Invitae Variant Classification Sherloc (09022015). Collection method: clinical testing. Allele origin: germline.
Comment: In summary, the available evidence is currently insufficient to determine the role of this variant in disease. Therefore, it has been classified as a Variant of Uncertain Significance. Algorithms developed to predict the effect of missense changes on protein structure and function are either unavailable or do not agree on the potential impact of this missense change (SIFT: "Deleterious"; PolyPhen-2: "Probably Damaging"; Align-GVGD: "Class C0"). This variant has not been reported in the literature in individuals affected with SYNE1-related conditions. This variant is present in population databases (rs753533241, gnomAD 0.002%). This sequence change replaces serine, which is neutral and polar, with asparagine, which is neutral and polar, at codon 8643 of the SYNE1 protein (p.Ser8643Asn).

Ambry Genetics
Classification: Uncertain significance for Inborn genetic diseases. Last evaluated: 2021-06-11. Review status: criteria provided, single submitter. Criteria: Ambry Variant Classification Scheme 2023. Collection method: clinical testing. Allele origin: germline.

Kariminejad - Najmabadi Pathology & Genetics Center
Classification: Uncertain significance. Last evaluated: 2018-06-20. Review status: criteria provided, single submitter. Criteria: ACMG Guidelines, 2015. Collection method: clinical testing. Allele origin: germline. Inheritance: Autosomal recessive inheritance. Affected: yes.
Comment: PM2 BP1

NM_182961.4(SYNE1):c.26072G>A (p.Ser8691Asn)

Gene: SYNE1 (spectrin repeat containing nuclear envelope protein 1; minus strand). Cytogenetic location: 6q25.2.
Variant type: single nucleotide variant.
Coding change: c.26072G>A on transcript NM_182961.4 (MANE Select); coding-DNA position 26072, G replaced by A.
Protein change: p.Ser8691Asn; replaces serine 8691 with asparagine.
Molecular consequence: missense variant.
Genome position (GRCh38, 1-based): chr6:152,132,144, C>T on the plus strand (G>A on the coding strand, the complement: SYNE1 is on the minus strand). VCF-style: chr6-152132144-C-T. GRCh37 (hg19) VCF-style: chr6-152453279-C-T.
Other names: c.25928G>A (NM_033071.3); c.2678G>A, p.Ser893Asn (NM_001347701.2); c.2606G>A, p.Ser869Asn (NM_001347702.2); c.25928G>A, p.Ser8643Asn (NM_033071.5); short protein forms S8643N, S8691N, S893N, S869N.
Identifiers: ClinVar variation 1364466 (VCV001364466.8), dbSNP rs753533241, ClinGen allele CA4052681.